The following is an entry in ClinVar:

ClinVar aggregate classification (germline): Uncertain significance (1 of 4 stars; one submission).

Conditions:
Familial melanoma. Also called: Hereditary melanoma; Hereditary cutaneous melanoma. Identifiers: Orphanet 618, MedGen C1512419, MONDO:0018961.

Submission:

Labcorp Genetics (formerly Invitae), Labcorp
Classification: Uncertain significance for Familial melanoma. Last evaluated: 2022-10-25. Review status: criteria provided, single submitter. Criteria: Invitae Variant Classification Sherloc (09022015). Collection method: clinical testing. Allele origin: germline.
Comment: This sequence change replaces leucine, which is neutral and non-polar, with valine, which is neutral and non-polar, at codon 161 of the CDK4 protein (p.Leu161Val). This variant is not present in population databases (gnomAD no frequency). This variant has not been reported in the literature in individuals affected with CDK4-related conditions. Advanced modeling of protein sequence and biophysical properties (such as structural, functional, and spatial information, amino acid conservation, physicochemical variation, residue mobility, and thermodynamic stability) performed at Invitae indicates that this missense variant is expected to disrupt CDK4 protein function. In summary, the available evidence is currently insufficient to determine the role of this variant in disease. Therefore, it has been classified as a Variant of Uncertain Significance.

NM_000075.4(CDK4):c.481C>G (p.Leu161Val)

Gene: CDK4 (cyclin dependent kinase 4; minus strand). Cytogenetic location: 12q14.1.
Variant type: single nucleotide variant.
Coding change: c.481C>G on transcript NM_000075.4 (MANE Select); coding-DNA position 481, C replaced by G.
Protein change: p.Leu161Val; replaces leucine 161 with valine.
Molecular consequence: missense variant.
Genome position (GRCh38, 1-based): chr12:57,750,964, G>C on the plus strand (C>G on the coding strand, the complement: CDK4 is on the minus strand). VCF-style: chr12-57750964-G-C. GRCh37 (hg19) VCF-style: chr12-58144747-G-C.
Other names: short protein forms L161V.
Identifiers: ClinVar variation 1722150 (VCV001722150.5), dbSNP rs796860515, ClinGen allele CA385546277.